The following is an entry in ClinVar:

NM_000186.4(CFH):c.2578T>C (p.Ser860Pro)

Gene: CFH (complement factor H; plus strand). Cytogenetic location: 1q31.3.
Variant type: single nucleotide variant.
Coding change: c.2578T>C on transcript NM_000186.4 (MANE Select); coding-DNA position 2578, T replaced by C.
Protein change: p.Ser860Pro; replaces serine 860 with proline.
Molecular consequence: missense variant.
Genome position (GRCh38, 1-based): chr1:196,736,988, T>C. VCF-style: chr1-196736988-T-C. GRCh37 (hg19) VCF-style: chr1-196706118-T-C.
Other names: short protein forms S860P.
Identifiers: ClinVar variation 2108882 (VCV002108882.4), dbSNP rs2529531971, ClinGen allele CA343993164.

ClinVar aggregate classification (germline): Uncertain significance (1 of 4 stars; one submission).

Submission:

Labcorp Genetics (formerly Invitae), Labcorp
Classification: Uncertain significance. Last evaluated: 2022-03-11. Review status: criteria provided, single submitter. Criteria: Invitae Variant Classification Sherloc (09022015). Collection method: clinical testing. Allele origin: germline.
Comment: This variant has not been reported in the literature in individuals affected with CFH-related conditions. Algorithms developed to predict the effect of missense changes on protein structure and function are either unavailable or do not agree on the potential impact of this missense change (SIFT: "Deleterious"; PolyPhen-2: "Probably Damaging"; Align-GVGD: "Class C0"). In summary, the available evidence is currently insufficient to determine the role of this variant in disease. Therefore, it has been classified as a Variant of Uncertain Significance. This variant is not present in population databases (gnomAD no frequency). This sequence change replaces serine, which is neutral and polar, with proline, which is neutral and non-polar, at codon 860 of the CFH protein (p.Ser860Pro).